The following is an entry in ClinVar:

NM_001292063.2(OTOG):c.6120T>C (p.Cys2040=)

Gene: OTOG (otogelin; plus strand). Cytogenetic location: 11p15.1.
Variant type: single nucleotide variant.
Coding change: c.6120T>C on transcript NM_001292063.2 (MANE Select); coding-DNA position 6120, T replaced by C.
Protein change: p.Cys2040=; no amino-acid change (cysteine 2040 retained).
Molecular consequence: synonymous variant.
Genome position (GRCh38, 1-based): chr11:17,611,420, T>C. VCF-style: chr11-17611420-T-C. GRCh37 (hg19) VCF-style: chr11-17632967-T-C.
Other names: c.6156T>C, p.Cys2052= (NM_001277269.2).
Identifiers: ClinVar variation 2641654 (VCV002641654.24), dbSNP rs777071359, ClinGen allele CA5905984.

ClinVar aggregate classification (germline): Likely benign (1 of 4 stars; one submission).

Allele frequency attached by ClinVar (database versions not stated): gnomAD exomes below 0.00001; TOPMed 0.00001.
gnomAD v4.1: 4 of 1,510,854 alleles (0.00026%); highest among the groups gnomAD compares: Non-Finnish European, 0.00018%; no homozygotes.

Submission:

CeGaT Center for Human Genetics Tuebingen
Classification: Likely benign. Last evaluated: 2022-06-01. Review status: criteria provided, single submitter. Criteria: CeGaT Center For Human Genetics Tuebingen Variant Classification Criteria Version 2. Collection method: clinical testing. Allele origin: germline. Affected: yes. Observed: 1 variant allele.
Comment: OTOG: BP4, BP7